The following is an entry in ClinVar:

NM_001283009.2(RTEL1):c.2326G>A (p.Glu776Lys)

Genes: RTEL1 (regulator of telomere elongation helicase 1; plus strand), RTEL1-TNFRSF6B (RTEL1-TNFRSF6B readthrough (NMD candidate); plus strand). Cytogenetic location: 20q13.33.
Variant type: single nucleotide variant.
Coding change: c.2326G>A on transcript NM_001283009.2 (MANE Select); coding-DNA position 2326, G replaced by A.
Protein change: p.Glu776Lys; replaces glutamic acid 776 with lysine.
Molecular consequence: missense variant. On other transcripts: non-coding transcript variant (1).
Genome position (GRCh38, 1-based): chr20:63,690,354, G>A. VCF-style: chr20-63690354-G-A. GRCh37 (hg19) VCF-style: chr20-62321707-G-A.
Other names: c.1657G>A, p.Glu553Lys (NM_001283010.1); c.2326G>A, p.Glu776Lys (NM_016434.4); c.2398G>A, p.Glu800Lys (NM_032957.5); short protein forms E553K, E800K, E776K.
Identifiers: ClinVar variation 2171982 (VCV002171982.3), dbSNP rs746677388, ClinGen allele CA9965285.

ClinVar aggregate classification (germline): Uncertain significance. Review status: criteria provided, multiple submitters, no conflicts (2 of 4 stars). 2 submissions from 2 submitters: Uncertain significance (2). Last evaluated 2024-11-26.

Conditions:
Dyskeratosis congenita, autosomal recessive 5 (DKCB5). Identifiers: MedGen C3554656, MONDO:0014076, OMIM 615190.
Pulmonary fibrosis and/or bone marrow failure, Telomere-related, 3. Also called: PULMONARY FIBROSIS AND/OR BONE MARROW FAILURE SYNDROME, TELOMERE-RELATED, 3. Identifiers: Orphanet 2032, MedGen C4225346, MONDO:0014613, OMIM 616373.
Inborn genetic diseases. Identifiers: MedGen C0950123, MeSH D030342.

Allele frequency attached by ClinVar (database versions not stated): ExAC 0.00003; gnomAD 0.00004; TOPMed 0.00004.
gnomAD v4.1: 42 of 1,611,672 alleles (0.0026%); highest among the groups gnomAD compares: Middle Eastern, 0.016%; no homozygotes.

Submissions (2):

Ambry Genetics
Classification: Uncertain significance for Inborn genetic diseases. Last evaluated: 2024-11-26. Review status: criteria provided, single submitter. Criteria: Ambry Variant Classification Scheme 2023. Collection method: clinical testing. Allele origin: germline.
Comment: The p.E776K variant (also known as c.2326G>A), located in coding exon 25 of the RTEL1 gene, results from a G to A substitution at nucleotide position 2326. The glutamic acid at codon 776 is replaced by lysine, an amino acid with similar properties. This amino acid position is conserved. In addition, this alteration is predicted to be tolerated by in silico analysis. Based on the available evidence, the clinical significance of this variant remains unclear.

Labcorp Genetics (formerly Invitae), Labcorp
Classification: Uncertain significance for Dyskeratosis congenita, autosomal recessive 5; Pulmonary fibrosis and/or bone marrow failure, Telomere-related, 3. Last evaluated: 2024-09-30. Review status: criteria provided, single submitter. Criteria: Invitae Variant Classification Sherloc (09022015). Collection method: clinical testing. Allele origin: germline.
Comment: This sequence change replaces glutamic acid, which is acidic and polar, with lysine, which is basic and polar, at codon 776 of the RTEL1 protein (p.Glu776Lys). This variant is present in population databases (rs746677388, gnomAD 0.08%). This variant has not been reported in the literature in individuals affected with RTEL1-related conditions. ClinVar contains an entry for this variant (Variation ID: 2171982). An algorithm developed to predict the effect of missense changes on protein structure and function (PolyPhen-2) suggests that this variant¬¨‚Ä†is likely to be tolerated. In summary, the available evidence is currently insufficient to determine the role of this variant in disease. Therefore, it has been classified as a Variant of Uncertain Significance.